The following is an entry in ClinVar:

ClinVar aggregate classification (germline): Uncertain significance (1 of 4 stars; one submission).

Conditions:
Mendelian susceptibility to mycobacterial diseases due to complete IL12RB1 deficiency. Also called: IL12RB1 DEFICIENCY; Immunodeficiency 30. Identifiers: Orphanet 319552, MedGen C4013949, MONDO:0013955, OMIM 614891.

Allele frequency attached by ClinVar (database versions not stated): gnomAD exomes below 0.00001.
gnomAD v4.1: 26 of 1,607,772 alleles (0.0016%); highest among the groups gnomAD compares: Non-Finnish European, 0.0022%; no homozygotes.

Submission:

Labcorp Genetics (formerly Invitae), Labcorp
Classification: Uncertain significance for Mendelian susceptibility to mycobacterial diseases due to complete IL12RB1 deficiency. Last evaluated: 2022-08-09. Review status: criteria provided, single submitter. Criteria: Invitae Variant Classification Sherloc (09022015). Collection method: clinical testing. Allele origin: germline.
Comment: In summary, the available evidence is currently insufficient to determine the role of this variant in disease. Therefore, it has been classified as a Variant of Uncertain Significance. Algorithms developed to predict the effect of missense changes on protein structure and function are either unavailable or do not agree on the potential impact of this missense change (SIFT: "Tolerated"; PolyPhen-2: "Possibly Damaging"; Align-GVGD: "Class C0"). ClinVar contains an entry for this variant (Variation ID: 1370773). This variant has not been reported in the literature in individuals affected with IL12RB1-related conditions. This variant is present in population databases (no rsID available, gnomAD 0.0009%). This sequence change replaces histidine, which is basic and polar, with tyrosine, which is neutral and polar, at codon 450 of the IL12RB1 protein (p.His450Tyr).

NM_005535.3(IL12RB1):c.1348C>T (p.His450Tyr)

Gene: IL12RB1 (interleukin 12 receptor subunit beta 1; minus strand). Cytogenetic location: 19p13.11.
Variant type: single nucleotide variant.
Coding change: c.1348C>T on transcript NM_005535.3 (MANE Select); coding-DNA position 1348, C replaced by T.
Protein change: p.His450Tyr; replaces histidine 450 with tyrosine.
Molecular consequence: missense variant.
Genome position (GRCh38, 1-based): chr19:18,066,677, G>A on the plus strand (C>T on the coding strand, the complement: IL12RB1 is on the minus strand). VCF-style: chr19-18066677-G-A. GRCh37 (hg19) VCF-style: chr19-18177487-G-A.
Other names: c.1348C>T, p.His450Tyr (NM_001290023.2); c.1468C>T, p.His490Tyr (NM_001290024.2); short protein forms H450Y, H490Y.
Identifiers: ClinVar variation 1370773 (VCV001370773.8), dbSNP rs1259354262, ClinGen allele CA404776804.